The following is an entry in ClinVar:

NM_018023.5(YEATS2):c.1492C>T (p.Pro498Ser)

Gene: YEATS2 (YEATS domain containing 2; plus strand). Cytogenetic location: 3q27.1.
Variant type: single nucleotide variant.
Coding change: c.1492C>T on transcript NM_018023.5 (MANE Select); coding-DNA position 1492, C replaced by T.
Protein change: p.Pro498Ser; replaces proline 498 with serine.
Molecular consequence: missense variant.
Genome position (GRCh38, 1-based): chr3:183,756,629, C>T. VCF-style: chr3-183756629-C-T. GRCh37 (hg19) VCF-style: chr3-183474417-C-T.
Other names: c.1492C>T, p.Pro498Ser (NM_001351369.2, NM_001351371.2); c.1495C>T, p.Pro499Ser (NM_001351370.2); short protein forms P498S, P499S.
Identifiers: ClinVar variation 4822779 (VCV004822779.4).
Genomic context (GRCh38, chr3:183,756,629, plus strand): 5'-ACCCCGACTTCCACTCCAGTCCACGTGAAGCAAGGCACTGCCGGCTCTGTTATTAATAAT[C>T]CTTATGTTATCATGGACAAGCAGCCGGGGCAGGTGATTGGAGCCACCACTCCCAGTACAG-3'
Protein context (NP_060493.3, residues 488-508): QGTAGSVINN[Pro498Ser]YVIMDKQPGQ

ClinVar aggregate classification (germline): Likely benign (1 of 4 stars; one submission).

Submission:

CeGaT Center for Human Genetics Tuebingen
Classification: Likely benign. Last evaluated: 2026-03-01. Review status: criteria provided, single submitter. Criteria: CeGaT Center For Human Genetics Tuebingen Variant Classification Criteria Version 2. Collection method: clinical testing. Allele origin: germline. Affected: yes. Observed: 1 variant allele.
Comment: YEATS2: BP4